The following is an entry in ClinVar:

NM_018706.7(DHTKD1):c.209C>A (p.Ala70Asp)

Gene: DHTKD1 (dehydrogenase E1 and transketolase domain containing 1; plus strand). Cytogenetic location: 10p14.
Variant type: single nucleotide variant.
Coding change: c.209C>A on transcript NM_018706.7 (MANE Select); coding-DNA position 209, C replaced by A.
Protein change: p.Ala70Asp; replaces alanine 70 with aspartic acid.
Molecular consequence: missense variant.
Genome position (GRCh38, 1-based): chr10:12,081,526, C>A. VCF-style: chr10-12081526-C-A. GRCh37 (hg19) VCF-style: chr10-12123525-C-A.
Other names: short protein forms A70D.
Identifiers: ClinVar variation 2720146 (VCV002720146.3), dbSNP rs34644609, ClinGen allele CA376014501.
Genomic context (GRCh38, chr10:12,081,526, plus strand): 5'-ATTTAGTTGATCATGGCCTTGCCAGGTTGGTGACAGTATATTGTGAGCATGGTCATAAAG[C>A]TGCCAAAATCAACCCCCTCTTCACCGGACAAGCCCTGCTGGAGAATGTGCCTGAAATCCA-3'
Protein context (NP_061176.4, residues 60-80): VTVYCEHGHK[Ala70Asp]AKINPLFTGQ

ClinVar aggregate classification (germline): Uncertain significance (1 of 4 stars; one submission).

Conditions:
2-aminoadipic 2-oxoadipic aciduria (AAKAD). Also called: Aminoadipic aciduria; ALPHA-AMINOADIPIC AND ALPHA-KETOADIPIC ACIDURIA. Identifiers: Orphanet 79154, MedGen C1859817, MONDO:0008774, OMIM 204750.

gnomAD v4.1: 1 of 1,613,938 alleles (0.000062%); highest among the groups gnomAD compares: African/African-American, 0.0013%; no homozygotes.

Submission:

Labcorp Genetics (formerly Invitae), Labcorp
Classification: Uncertain significance for 2-aminoadipic 2-oxoadipic aciduria. Last evaluated: 2023-06-23. Review status: criteria provided, single submitter. Criteria: Invitae Variant Classification Sherloc (09022015). Collection method: clinical testing. Allele origin: germline.
Comment: This sequence change replaces alanine, which is neutral and non-polar, with aspartic acid, which is acidic and polar, at codon 70 of the DHTKD1 protein (p.Ala70Asp). This variant is not present in population databases (gnomAD no frequency). This variant has not been reported in the literature in individuals affected with DHTKD1-related conditions. Advanced modeling of protein sequence and biophysical properties (such as structural, functional, and spatial information, amino acid conservation, physicochemical variation, residue mobility, and thermodynamic stability) performed at Invitae indicates that this missense variant is not expected to disrupt DHTKD1 protein function. In summary, the available evidence is currently insufficient to determine the role of this variant in disease. Therefore, it has been classified as a Variant of Uncertain Significance.